The following is an entry in ClinVar:

NM_021224.6(ZNF462):c.3089A>C (p.Tyr1030Ser)

Gene: ZNF462 (zinc finger protein 462; plus strand). Cytogenetic location: 9q31.2.
Variant type: single nucleotide variant.
Coding change: c.3089A>C on transcript NM_021224.6 (MANE Select); coding-DNA position 3089, A replaced by C.
Protein change: p.Tyr1030Ser; replaces tyrosine 1030 with serine.
Molecular consequence: missense variant.
Genome position (GRCh38, 1-based): chr9:106,927,001, A>C. VCF-style: chr9-106927001-A-C. GRCh37 (hg19) VCF-style: chr9-109689282-A-C.
Other names: c.3089A>C, p.Tyr1030Ser (NM_001347997.2); short protein forms Y1030S.
Identifiers: ClinVar variation 3572550 (VCV003572550.1).

ClinVar aggregate classification (germline): Uncertain significance (1 of 4 stars; one submission).

Submission:

GeneDx
Classification: Uncertain significance. Last evaluated: 2024-07-12. Review status: criteria provided, single submitter. Criteria: GeneDx Variant Classification Process June 2021. Collection method: clinical testing. Allele origin: germline. Affected: yes.
Comment: Not observed at significant frequency in large population cohorts (gnomAD); In silico analysis supports that this missense variant has a deleterious effect on protein structure/function; Has not been previously published as pathogenic or benign to our knowledge